The following is an entry in ClinVar:

NM_001130144.3(LTBP3):c.3735C>T (p.Leu1245=)

Gene: LTBP3 (latent transforming growth factor beta binding protein 3; minus strand). Cytogenetic location: 11q13.1.
Variant type: single nucleotide variant.
Coding change: c.3735C>T on transcript NM_001130144.3 (MANE Select); coding-DNA position 3735, C replaced by T.
Protein change: p.Leu1245=; no amino-acid change (leucine 1245 retained).
Molecular consequence: synonymous variant.
Genome position (GRCh38, 1-based): chr11:65,539,353, G>A on the plus strand (C>T on the coding strand, the complement: LTBP3 is on the minus strand). VCF-style: chr11-65539353-G-A. GRCh37 (hg19) VCF-style: chr11-65306824-G-A.
Other names: c.3243C>T, p.Leu1081= (NM_001164266.1); c.3594C>T, p.Leu1198= (NM_021070.4).
Identifiers: ClinVar variation 1734415 (VCV001734415.8), dbSNP rs1357456931, ClinGen allele CA381266172.
Genomic context (GRCh38, chr11:65,539,353, plus strand): 5'-CCCGCCCCTGCCCCCACCCCCGAAGCCCGGCTCACCCACGCAGCGGGCGCGGGAGGCGTC[G>A]AGCTGGAAGCCGCCGGGACACTCGCACACGGCGCCGCCCGGCCGCGGCACGCAGCGGCCA-3'
Protein context (NP_001123616.1, residues 1235-1255): AVCECPGGFQ[Leu1245=]DASRARCVDI

ClinVar aggregate classification (germline): Likely benign. Review status: criteria provided, multiple submitters, no conflicts (2 of 4 stars). 3 submissions from 3 submitters: Likely benign (3). Last evaluated 2026-06-01.

Conditions:
Brachyolmia-amelogenesis imperfecta syndrome. Also called: Tooth agenesis, selective, 6; Dental anomalies and short stature; PLATYSPONDYLY WITH AMELOGENESIS IMPERFECTA. Identifiers: Orphanet 2899, MedGen C1832594, MONDO:0011018, OMIM 601216. Disease mechanism: loss of function.
Inborn genetic diseases. Identifiers: MedGen C0950123, MeSH D030342.

Allele frequency attached by ClinVar (database versions not stated): TOPMed below 0.00001; gnomAD 0.00001; gnomAD exomes 0.00001.
gnomAD v4.1: 9 of 1,531,946 alleles (0.00059%); highest among the groups gnomAD compares: Admixed American, 0.002%; no homozygotes.

Submissions (3):

CeGaT Center for Human Genetics Tuebingen
Classification: Likely benign. Last evaluated: 2026-06-01. Review status: criteria provided, single submitter. Criteria: CeGaT Center For Human Genetics Tuebingen Variant Classification Criteria Version 2. Collection method: clinical testing. Allele origin: germline. Affected: yes. Observed: 1 variant allele.
Comment: LTBP3: BP4, BP7

Labcorp Genetics (formerly Invitae), Labcorp
Classification: Likely benign for Brachyolmia-amelogenesis imperfecta syndrome. Last evaluated: 2025-11-01. Review status: criteria provided, single submitter. Criteria: Invitae Variant Classification Sherloc (09022015). Collection method: clinical testing. Allele origin: germline.

Ambry Genetics
Classification: Likely benign for Inborn genetic diseases. Last evaluated: 2021-10-22. Review status: criteria provided, single submitter. Criteria: Ambry Variant Classification Scheme 2023. Collection method: clinical testing. Allele origin: germline.